The following is an entry in ClinVar:

NM_001440.4(EXTL3):c.99C>G (p.Ser33Arg)

Gene: EXTL3 (exostosin like glycosyltransferase 3; plus strand). Cytogenetic location: 8p21.1.
Variant type: single nucleotide variant.
Coding change: c.99C>G on transcript NM_001440.4 (MANE Select); coding-DNA position 99, C replaced by G.
Protein change: p.Ser33Arg; replaces serine 33 with arginine.
Molecular consequence: missense variant.
Genome position (GRCh38, 1-based): chr8:28,716,158, C>G. VCF-style: chr8-28716158-C-G. GRCh37 (hg19) VCF-style: chr8-28573675-C-G.
Other names: c.99C>G, p.Ser33Arg (NM_001437797.1, NM_001438399.1, NM_001438400.1 and 4 more transcripts); short protein forms S33R.
Identifiers: ClinVar variation 4741743 (VCV004741743.1).
Genomic context (GRCh38, chr8:28,716,158, plus strand): 5'-GAACGGAGGTCAGACCTGCATGCTGCGCTGGTCCAACCGCATCCGCCTCACGTGGCTCAG[C>G]TTCACGCTCTTTGTCATCCTGGTCTTCTTCCCGCTCATCGCCCACTATTACCTCACCACT-3'
Protein context (NP_001431.1, residues 23-43): WSNRIRLTWL[Ser33Arg]FTLFVILVFF

ClinVar aggregate classification (germline): Uncertain significance (1 of 4 stars; one submission).

gnomAD v4.1: 1 of 1,614,158 alleles (0.000062%); highest among the groups gnomAD compares: Non-Finnish European, 0.000085%; no homozygotes.

Submission:

Labcorp Genetics (formerly Invitae), Labcorp
Classification: Uncertain significance. Last evaluated: 2025-08-06. Review status: criteria provided, single submitter. Criteria: Invitae Variant Classification Sherloc (09022015). Collection method: clinical testing. Allele origin: germline.
Comment: This sequence change replaces serine, which is neutral and polar, with arginine, which is basic and polar, at codon 33 of the EXTL3 protein (p.Ser33Arg). This variant is not present in population databases (gnomAD no frequency). This variant has not been reported in the literature in individuals affected with EXTL3-related conditions. Invitae Evidence Modeling of protein sequence and biophysical properties (such as structural, functional, and spatial information, amino acid conservation, physicochemical variation, residue mobility, and thermodynamic stability) indicates that this missense variant is not expected to disrupt EXTL3 protein function with a negative predictive value of 80%. In summary, the available evidence is currently insufficient to determine the role of this variant in disease. Therefore, it has been classified as a Variant of Uncertain Significance.